The following is an entry in ClinVar:

NM_000091.5(COL4A3):c.3156_3164del (p.Asp1052_Gly1054del)

Genes: COL4A3 (collagen type IV alpha 3 chain; plus strand), MFF-DT (MFF divergent transcript; minus strand). Cytogenetic location: 2q36.3.
Variant type: Deletion.
Coding change: c.3156_3164del on transcript NM_000091.5 (MANE Select); coding-DNA positions 3156 to 3164, 9 bases deleted (TAAGGGAGA; older notation c.3156_3164delTAAGGGAGA).
Protein change: p.Asp1052_Gly1054del.
Molecular consequence: inframe deletion.
Genome position (GRCh38, 1-based): chr2:227,290,832-227,290,840, TAAGGGAGA deleted; deleting any 9 consecutive bases within chr2:227,290,825-227,290,840 gives the same sequence; the c. name uses the placement nearest the transcript's 3' end. VCF-style (leftmost placement, unchanged base first): chr2-227290824-CAGGGAGATA-C. GRCh37 (hg19) VCF-style: chr2-228155540-CAGGGAGATA-C.
Identifiers: ClinVar variation 1479134 (VCV001479134.6), dbSNP rs2106210740, ClinGen allele CA2573135472.

ClinVar aggregate classification (germline): Uncertain significance (1 of 4 stars; one submission).

Submission:

Labcorp Genetics (formerly Invitae), Labcorp
Classification: Uncertain significance. Last evaluated: 2023-06-25. Review status: criteria provided, single submitter. Criteria: Invitae Variant Classification Sherloc (09022015). Collection method: clinical testing. Allele origin: germline.
Comment: This variant, c.3156_3164del, results in the deletion of 3 amino acid(s) of the COL4A3 protein (p.Asp1052_Gly1054del), but otherwise preserves the integrity of the reading frame. This variant is not present in population databases (gnomAD no frequency). This variant has been observed in individual(s) with clinical features of autosomal dominant Alport syndrome (Invitae). ClinVar contains an entry for this variant (Variation ID: 1479134). Experimental studies and prediction algorithms are not available or were not evaluated, and the functional significance of this variant is currently unknown. Algorithms developed to predict the effect of sequence changes on RNA splicing suggest that this variant may disrupt the consensus splice site. In summary, the available evidence is currently insufficient to determine the role of this variant in disease. Therefore, it has been classified as a Variant of Uncertain Significance.